The following is an entry in ClinVar:

ClinVar aggregate classification (germline): Likely benign. Review status: criteria provided, multiple submitters, no conflicts (2 of 4 stars). 3 submissions from 3 submitters: Likely benign (3). Last evaluated 2025-10-19.

Conditions:
Developmental and epileptic encephalopathy, 25 (DEE25). Also called: Developmental and epileptic encephalopathy 25, with amelogenesis imperfecta; Epileptic encephalopathy, early infantile, 25, with amelogenesis imperfecta; Epileptic encephalopathy, early infantile, 25. Identifiers: Orphanet 442835, MedGen C4014621, MONDO:0014392, OMIM 615905.

Allele frequency attached by ClinVar (database versions not stated): gnomAD exomes 0.00008; ExAC 0.00009; TOPMed 0.00012; gnomAD 0.00015 and 0.00016; ESP Exome Variant Server 0.00054.
gnomAD v4.1: 294 of 1,599,788 alleles (0.018%); highest among the groups gnomAD compares: Non-Finnish European, 0.023%; no homozygotes.

Submissions (3):

Labcorp Genetics (formerly Invitae), Labcorp
Classification: Likely benign for Developmental and epileptic encephalopathy, 25. Last evaluated: 2025-10-19. Review status: criteria provided, single submitter. Criteria: Invitae Variant Classification Sherloc (09022015). Collection method: clinical testing. Allele origin: germline.

Athena Diagnostics
Classification: Likely benign. Last evaluated: 2018-08-30. Review status: criteria provided, single submitter. Criteria: Athena Diagnostics Criteria. Collection method: clinical testing. Allele origin: germline.

GeneDx
Classification: Likely benign. Last evaluated: 2018-01-09. Review status: criteria provided, single submitter. Criteria: GeneDx Variant Classification (06012015). Collection method: clinical testing. Allele origin: germline. Affected: yes.
Comment: This variant is considered likely benign or benign based on one or more of the following criteria: it is a conservative change, it occurs at a poorly conserved position in the protein, it is predicted to be benign by multiple in silico algorithms, and/or has population frequency not consistent with disease.

NM_177550.5(SLC13A5):c.1156+9C>T

Gene: SLC13A5 (solute carrier family 13 member 5; minus strand). Cytogenetic location: 17p13.1.
Variant type: single nucleotide variant.
Coding change: c.1156+9C>T on transcript NM_177550.5 (MANE Select); 9 bases into the intron after coding-DNA position 1156, C replaced by T.
Molecular consequence: intron variant.
Genome position (GRCh38, 1-based): chr17:6,694,088, G>A on the plus strand (C>T on the coding strand, the complement: SLC13A5 is on the minus strand). VCF-style: chr17-6694088-G-A. GRCh37 (hg19) VCF-style: chr17-6597407-G-A.
Other names: c.1027+9C>T (NM_001284510.2); c.1105+9C>T (NM_001284509.2); c.1156+9C>T (NM_001143838.3).
Identifiers: ClinVar variation 383254 (VCV000383254.13), dbSNP rs201530285, ClinGen allele CA8331505.